The following is an entry in ClinVar:

ClinVar aggregate classification (germline): Uncertain significance (1 of 4 stars; one submission).

Submission:

GeneDx
Classification: Uncertain significance. Last evaluated: 2025-06-25. Review status: criteria provided, single submitter. Criteria: GeneDx Variant Classification Process June 2021. Collection method: clinical testing. Allele origin: germline. Affected: yes.
Comment: Not observed at significant frequency in large population cohorts (gnomAD); In silico analysis supports that this missense variant has a deleterious effect on protein structure/function; Has not been previously published as pathogenic or benign to our knowledge

NM_001287491.2(TET3):c.2666C>G (p.Pro889Arg)

Gene: TET3 (tet methylcytosine dioxygenase 3; plus strand). Cytogenetic location: 2p13.1.
Variant type: single nucleotide variant.
Coding change: c.2666C>G on transcript NM_001287491.2 (MANE Select); coding-DNA position 2666, C replaced by G.
Protein change: p.Pro889Arg; replaces proline 889 with arginine.
Molecular consequence: missense variant.
Genome position (GRCh38, 1-based): chr2:74,080,578, C>G. VCF-style: chr2-74080578-C-G. GRCh37 (hg19) VCF-style: chr2-74307705-C-G.
Other names: c.2387C>G, p.Pro796Arg (NM_001366022.1); short protein forms P796R, P889R.
Identifiers: ClinVar variation 4680995 (VCV004680995.1).